The following is an entry in ClinVar:

NM_000286.3(PEX12):c.616del (p.Gln206fs)

Gene: PEX12 (peroxisomal biogenesis factor 12; minus strand). Cytogenetic location: 17q12.
Variant type: Deletion.
Coding change: c.616del on transcript NM_000286.3 (MANE Select); coding-DNA position 616, one base deleted (C; older notation c.616delC).
Protein change: p.Gln206fs; shifts the reading frame from glutamine 206.
Molecular consequence: frameshift variant.
Genome position (GRCh38, 1-based): chr17:35,577,102, G deleted on the plus strand (C on the coding strand, the reverse complement: PEX12 is on the minus strand). VCF-style (leftmost placement, unchanged base first): chr17-35577101-TG-T. GRCh37 (hg19) VCF-style: chr17-33904120-TG-T.
Other names: short protein forms Q206fs.
Identifiers: ClinVar variation 5004604 (VCV005004604.1).

ClinVar aggregate classification (germline): Pathogenic (1 of 4 stars; one submission).

Conditions:
Peroxisome biogenesis disorder. Identifiers: Orphanet 79189, MedGen C1832200, MONDO:0019234. Disease mechanism: loss of function.

Submission:

Myriad Genetics, Inc.
Classification: Pathogenic for Peroxisome biogenesis disorder. Last evaluated: 2026-04-14. Review status: criteria provided, single submitter. Criteria: Myriad Autosomal Dominant, Autosomal Recessive and X-Linked Classification Criteria (2023). Collection method: clinical testing. Allele origin: unknown.
Comment: NM_000286.2(PEX12):c.616delC(Q206Rfs*15) is a frameshift variant classified as pathogenic in the context of peroxisome biogenesis disorder type 3. Q206Rfs*15 has not been observed in cases with relevant disease. Relevant functional assessments of this variant are not available in the literature. Q206Rfs*15 has not been observed in referenced population frequency databases. In summary, NM_000286.2(PEX12):c.616delC(Q206Rfs*15) is a frameshift variant in a gene where loss of function is a known mechanism of disease and is predicted to disrupt protein function. Please note: this variant was assessed in the context of healthy population screening.